The following is an entry in ClinVar:

NM_025099.6(CTC1):c.1617+11G>A

Gene: CTC1 (CST telomere replication complex component 1; minus strand). Cytogenetic location: 17p13.1.
Variant type: single nucleotide variant.
Coding change: c.1617+11G>A on transcript NM_025099.6 (MANE Select); 11 bases into the intron after coding-DNA position 1617, G replaced by A.
Molecular consequence: intron variant.
Genome position (GRCh38, 1-based): chr17:8,234,738, C>T on the plus strand (G>A on the coding strand, the complement: CTC1 is on the minus strand). VCF-style: chr17-8234738-C-T. GRCh37 (hg19) VCF-style: chr17-8138056-C-T.
Identifiers: ClinVar variation 889667 (VCV000889667.15), dbSNP rs114425026, ClinGen allele CA8372305.

ClinVar aggregate classification (germline): Benign/Likely benign. Review status: criteria provided, multiple submitters, no conflicts (2 of 4 stars). 4 submissions from 4 submitters: Benign (3); Likely benign (1). Last evaluated 2026-01-30.

Conditions:
Dyskeratosis congenita. Identifiers: Orphanet 1775, MedGen C0265965, MONDO:0015780.
Cerebroretinal microangiopathy with calcifications and cysts 1 (CRMCC1). Identifiers: Orphanet 313838, MedGen C4552029, MONDO:0024564, OMIM 612199.

Allele frequency attached by ClinVar (database versions not stated): gnomAD exomes 0.00047 and 0.00135; ExAC 0.00180; gnomAD 0.00509 and 0.00535; ESP Exome Variant Server 0.00527; TOPMed 0.00581; 1000 Genomes Project 0.00679; 1000 Genomes Project 30x 0.00750.
gnomAD v4.1: 1,479 of 1,582,376 alleles (0.093%); highest among the groups gnomAD compares: African/African-American, 1.8%; 11 homozygotes.

Submissions (4):

Labcorp Genetics (formerly Invitae), Labcorp
Classification: Benign for Dyskeratosis congenita. Last evaluated: 2026-01-30. Review status: criteria provided, single submitter. Criteria: Invitae Variant Classification Sherloc (09022015). Collection method: clinical testing. Allele origin: germline.

Blueprint Genetics
Classification: Likely benign. Last evaluated: 2024-09-17. Review status: criteria provided, single submitter. Criteria: ACMG Guidelines, 2015. Collection method: clinical testing. Allele origin: germline.

Genome-Nilou Lab
Classification: Benign for Cerebroretinal microangiopathy with calcifications and cysts 1. Last evaluated: 2021-07-15. Review status: criteria provided, single submitter. Criteria: ACMG Guidelines, 2015. Collection method: clinical testing. Allele origin: germline. Affected: no.

Illumina Laboratory Services, Illumina
Classification: Benign for Dyskeratosis congenita. Last evaluated: 2018-01-13. Review status: criteria provided, single submitter. Criteria: ICSL Variant Classification Criteria 13 December 2019. Collection method: clinical testing. Allele origin: germline.
Comment: This variant was observed in the ICSL laboratory as part of a predisposition screen in an ostensibly healthy population. It had not been previously curated by ICSL or reported in the Human Gene Mutation Database (HGMD: prior to June 1st, 2018), and was therefore a candidate for classification through an automated scoring system. Utilizing variant allele frequency, disease prevalence and penetrance estimates, and inheritance mode, an automated score was calculated to assess if this variant is too frequent to cause the disease. Based on the score and internal cut-off values, a variant classified as benign is not then subjected to further curation. The score for this variant resulted in a classification of benign for this disease.